The following is an entry in ClinVar:

ClinVar aggregate classification (germline): Uncertain significance. Review status: reviewed by expert panel (3 of 4 stars). 2 submissions from 2 submitters: Uncertain significance (1). 1 of the submissions does not count toward it. Last evaluated 2025-04-16.

Conditions:
Maturity-onset diabetes of the young type 3. Also called: MODY type 3; MODY, type III. Identifiers: Orphanet 552, MedGen C1838100, MeSH C563933, MONDO:0010894, OMIM 600496. Disease mechanism: loss of function.
Monogenic diabetes. Identifiers: Orphanet 183625, MedGen C3888631, MONDO:0015967.

Allele frequency attached by ClinVar (database versions not stated): gnomAD exomes below 0.00001.
gnomAD v4.1: 1 of 1,608,306 alleles (0.000062%); highest among the groups gnomAD compares: Non-Finnish European, 0.000085%; no homozygotes.

Submissions (2):

ClinGen Monogenic Diabetes Variant Curation Expert Panel
Classification: Uncertain significance for Monogenic diabetes. Last evaluated: 2025-04-16. Review status: reviewed by expert panel. Criteria: ClinGen Diabetes ACMG Specifications HNF1A V2.1.0. Collection method: curation. Allele origin: germline. Inheritance: Autosomal dominant inheritance.
Comment: The c.194G>A variant in the HNF1 homeobox A gene, HNF1A, causes an amino acid change of glycine to glutamate at codon 65 (p.(Gly65Glu)) of NM_000545.8. This variant is predicted to be deleterious by computational evidence, with a REVEL score of 0.792, which is greater than the MDEP VCEP threshold of 0.70 (PP3) and is absent from gnomAD v2.1.1 (PM2_Supporting). This variant was identified in an individual with diabetes; however, the calculated MODY probability is <50% (internal lab contributor); therefore, PP4 could not be applied. In summary, c.194G>A meets the criteria to be classified as a variant of uncertain significance for monogenic diabetes. ACMG/AMP criteria applied, as specified by the ClinGen MDEP (specification version 2.1.1, approved 8/11/2023): PP3, PM2_Supporting.

Geisinger Clinic, Geisinger Health System
Classification: Likely pathogenic for Maturity-onset diabetes of the young type 3. Last evaluated: 2022-08-02. Review status: criteria provided, single submitter. Criteria: ACMG Guidelines, 2015. Collection method: research. Allele origin: germline. Inheritance: Autosomal dominant inheritance. Affected: yes. Observed: 1 variant allele. Not counted in ClinVar's aggregate classification.
Comment: PP3, PM2, PP4_Supporting, PM1_Supporting, PP1_Supporting

Literature cited by the submitters: PubMed 36257325 (cited by Geisinger Clinic, Geisinger Health System).

NM_000545.8(HNF1A):c.194G>A (p.Gly65Glu)

Gene: HNF1A (HNF1 homeobox A; plus strand). Cytogenetic location: 12q24.31.
Variant type: single nucleotide variant.
Coding change: c.194G>A on transcript NM_000545.8 (MANE Select); coding-DNA position 194, G replaced by A.
Protein change: p.Gly65Glu; replaces glycine 65 with glutamic acid.
Molecular consequence: missense variant.
Genome position (GRCh38, 1-based): chr12:120,978,962, G>A. VCF-style: chr12-120978962-G-A. GRCh37 (hg19) VCF-style: chr12-121416765-G-A.
Other names: NM_001306179.2:c.194G>A; c.194G>A, p.Gly65Glu (NM_001306179.2); short protein forms G65E.
Identifiers: ClinVar variation 1676688 (VCV001676688.12), dbSNP rs2135819938, ClinGen allele CA386953604.